The following is an entry in ClinVar:

ClinVar aggregate classification (germline): Uncertain significance (1 of 4 stars; one submission).

Submission:

Labcorp Genetics (formerly Invitae), Labcorp
Classification: Uncertain significance. Last evaluated: 2024-08-18. Review status: criteria provided, single submitter. Criteria: Invitae Variant Classification Sherloc (09022015). Collection method: clinical testing. Allele origin: germline.
Comment: This sequence change replaces asparagine, which is neutral and polar, with serine, which is neutral and polar, at codon 77 of the BMP7 protein (p.Asn77Ser). This variant is not present in population databases (gnomAD no frequency). This variant has not been reported in the literature in individuals affected with BMP7-related conditions. An algorithm developed to predict the effect of missense changes on protein structure and function (PolyPhen-2) suggests that this variant is likely to be tolerated. In summary, the available evidence is currently insufficient to determine the role of this variant in disease. Therefore, it has been classified as a Variant of Uncertain Significance.

NM_001719.3(BMP7):c.230A>G (p.Asn77Ser)

Gene: BMP7 (bone morphogenetic protein 7; minus strand). Cytogenetic location: 20q13.31.
Variant type: single nucleotide variant.
Coding change: c.230A>G on transcript NM_001719.3 (MANE Select); coding-DNA position 230, A replaced by G.
Protein change: p.Asn77Ser; replaces asparagine 77 with serine.
Molecular consequence: missense variant.
Genome position (GRCh38, 1-based): chr20:57,265,893, T>C on the plus strand (A>G on the coding strand, the complement: BMP7 is on the minus strand). VCF-style: chr20-57265893-T-C. GRCh37 (hg19) VCF-style: chr20-55840949-T-C.
Other names: short protein forms N77S.
Identifiers: ClinVar variation 3695669 (VCV003695669.2).
Genomic context (GRCh38, chr20:57,265,893, plus strand): 5'-CCGCCGCCCTCCTCCACCGCCATGGCGTTGTACAGGTCCAGCATGAACATGGGTGCCGAG[T>C]TGTGCTTGCCCTGGAGGTGCGGGCGCGGGCGGTGGGGCAAGCCCAAAATGGAGAGGATCT-3'
Protein context (NP_001710.1, residues 67-87): RPRPHLQGKH[Asn77Ser]SAPMFMLDLY